The following is an entry in ClinVar:

ClinVar aggregate classification (germline): Pathogenic (1 of 4 stars; one submission).

Conditions:
Primary ciliary dyskinesia. Also called: Ciliary dyskinesia. Identifiers: Orphanet 244, MedGen C0008780, MONDO:0016575, HP:0012265.

Submission:

Labcorp Genetics (formerly Invitae), Labcorp
Classification: Pathogenic for Primary ciliary dyskinesia. Last evaluated: 2025-05-25. Review status: criteria provided, single submitter. Criteria: Invitae Variant Classification Sherloc (09022015). Collection method: clinical testing. Allele origin: germline.
Comment: This sequence change creates a premature translational stop signal (p.Gln949Serfs*6) in the CCDC40 gene. It is expected to result in an absent or disrupted protein product. Loss-of-function variants in CCDC40 are known to be pathogenic (PMID: 21131974, 22693285, 23255504). This variant is present in population databases (no rsID available, gnomAD 0.003%). This variant has not been reported in the literature in individuals affected with CCDC40-related conditions. For these reasons, this variant has been classified as Pathogenic.

Literature cited by the submitters: PubMed 21131974; PubMed 22693285; PubMed 23255504.

NM_017950.4(CCDC40):c.2844_2853del (p.Gln949fs)

Gene: CCDC40 (coiled-coil domain 40 molecular ruler complex subunit; plus strand). Cytogenetic location: 17q25.3.
Variant type: Deletion.
Coding change: c.2844_2853del on transcript NM_017950.4 (MANE Select); coding-DNA positions 2844 to 2853, 10 bases deleted (GCAGCTGCTG; older notation c.2844_2853delGCAGCTGCTG).
Protein change: p.Gln949fs; shifts the reading frame from glutamine 949.
Molecular consequence: frameshift variant.
Genome position (GRCh38, 1-based): chr17:80,095,274-80,095,283, GCAGCTGCTG deleted; deleting any 10 consecutive bases within chr17:80,095,273-80,095,283 gives the same sequence; the c. name uses the placement nearest the transcript's 3' end. VCF-style (leftmost placement, unchanged base first): chr17-80095272-GGGCAGCTGCT-G. GRCh37 (hg19) VCF-style: chr17-78069071-GGGCAGCTGCT-G.
Other names: short protein forms Q949fs.
Identifiers: ClinVar variation 4751288 (VCV004751288.1).
Genomic context (GRCh38, chr17:80,095,272, plus strand): 5'-AGCTGCAGCTCAGGCCTGCCCCAGCCCCAGCCCCTCTGTCCTGTCTCCCAGGTCAGGCTC[GGGCAGCTGCT>G]GAAGCAGCAGGAGAAGATGATCCGTGCCATGGAGTTGGCGGTTGCCCGCAGAGAGACCGT-3'